The following is an entry in ClinVar:

ClinVar aggregate classification (germline): Benign. Review status: criteria provided, single submitter (1 of 4 stars). 2 submissions from 2 submitters: Benign (1). 1 of the submissions does not count toward it. Last evaluated 2026-01-01.

Conditions:
Distal hereditary motor neuropathy type 2. Identifiers: Orphanet 139525, MedGen C3711384, MeSH C580044, MONDO:0015352.
FBXO38-related disorder. Also called: FBXO38-related condition.

Allele frequency attached by ClinVar (database versions not stated): gnomAD exomes 0.00003 and 0.00019; gnomAD 0.00005 and 0.00004; 1000 Genomes Project 30x 0.00047; TOPMed 0.00005; ExAC 0.00017; 1000 Genomes Project 0.00040.
gnomAD v4.1: 58 of 1,613,510 alleles (0.0036%); highest among the groups gnomAD compares: East Asian, 0.071%; no homozygotes.

Submissions (2):

Labcorp Genetics (formerly Invitae), Labcorp
Classification: Benign for Distal hereditary motor neuropathy type 2. Last evaluated: 2026-01-01. Review status: criteria provided, single submitter. Criteria: Invitae Variant Classification Sherloc (09022015). Collection method: clinical testing. Allele origin: germline.

PreventionGenetics, part of Exact Sciences
Classification: Likely benign for FBXO38-related condition. Last evaluated: 2023-10-04. Review status: no assertion criteria provided. Collection method: clinical testing. Allele origin: germline. Not counted in ClinVar's aggregate classification.
Comment: This variant is classified as likely benign based on ACMG/AMP sequence variant interpretation guidelines (Richards et al. 2015 PMID: 25741868, with internal and published modifications).

NM_205836.3(FBXO38):c.1527C>T (p.His509=)

Gene: FBXO38 (F-box protein 38; plus strand). Cytogenetic location: 5q32.
Variant type: single nucleotide variant.
Coding change: c.1527C>T on transcript NM_205836.3 (MANE Select); coding-DNA position 1527, C replaced by T.
Protein change: p.His509=; no amino-acid change (histidine 509 retained).
Molecular consequence: synonymous variant.
Genome position (GRCh38, 1-based): chr5:148,417,113, C>T. VCF-style: chr5-148417113-C-T. GRCh37 (hg19) VCF-style: chr5-147796676-C-T.
Other names: c.1527C>T, p.His509= (NM_001271723.2, NM_030793.5); c.1527C>T (NM_030793.4).
Identifiers: ClinVar variation 1165617 (VCV001165617.12), dbSNP rs182585967, ClinGen allele CA3497296.